The following is an entry in ClinVar:

NM_177924.5(ASAH1):c.682A>G (p.Ser228Gly)

Gene: ASAH1 (N-acylsphingosine amidohydrolase 1; minus strand). Cytogenetic location: 8p22.
Variant type: single nucleotide variant.
Coding change: c.682A>G on transcript NM_177924.5 (MANE Select); coding-DNA position 682, A replaced by G.
Protein change: p.Ser228Gly; replaces serine 228 with glycine.
Molecular consequence: missense variant.
Genome position (GRCh38, 1-based): chr8:18,061,707, T>C on the plus strand (A>G on the coding strand, the complement: ASAH1 is on the minus strand). VCF-style: chr8-18061707-T-C. GRCh37 (hg19) VCF-style: chr8-17919216-T-C.
Other names: c.664A>G, p.Ser222Gly (NM_001127505.3); c.487A>G, p.Ser163Gly (NM_001363743.2); c.730A>G, p.Ser244Gly (NM_004315.6); short protein forms S163G, S228G, S244G, S222G.
Identifiers: ClinVar variation 1384698 (VCV001384698.3), dbSNP rs767229638, ClinGen allele CA4650727.

ClinVar aggregate classification (germline): Uncertain significance (1 of 4 stars; one submission).

Allele frequency attached by ClinVar (database versions not stated): gnomAD 0.00001; gnomAD exomes 0.00002 and 0.00003; TOPMed 0.00002; ExAC 0.00005.
gnomAD v4.1: 25 of 1,585,170 alleles (0.0016%); highest among the groups gnomAD compares: Admixed American, 0.0035%; 1 homozygote.

Submission:

Labcorp Genetics (formerly Invitae), Labcorp
Classification: Uncertain significance. Last evaluated: 2022-08-03. Review status: criteria provided, single submitter. Criteria: Invitae Variant Classification Sherloc (09022015). Collection method: clinical testing. Allele origin: germline.
Comment: This sequence change replaces serine, which is neutral and polar, with glycine, which is neutral and non-polar, at codon 228 of the ASAH1 protein (p.Ser228Gly). This variant is present in population databases (rs767229638, gnomAD 0.007%). This variant has not been reported in the literature in individuals affected with ASAH1-related conditions. ClinVar contains an entry for this variant (Variation ID: 1384698). Algorithms developed to predict the effect of missense changes on protein structure and function are either unavailable or do not agree on the potential impact of this missense change (SIFT: "Deleterious"; PolyPhen-2: "Benign"; Align-GVGD: "Class C0"). In summary, the available evidence is currently insufficient to determine the role of this variant in disease. Therefore, it has been classified as a Variant of Uncertain Significance.